The following is an entry in ClinVar:

NM_000264.5(PTCH1):c.4317G>C (p.Glu1439Asp)

Gene: PTCH1 (patched 1; minus strand). Cytogenetic location: 9q22.32.
Variant type: single nucleotide variant.
Coding change: c.4317G>C on transcript NM_000264.5 (MANE Select); coding-DNA position 4317, G replaced by C.
Protein change: p.Glu1439Asp; replaces glutamic acid 1439 with aspartic acid.
Molecular consequence: missense variant. On other transcripts: non-coding transcript variant (1).
Genome position (GRCh38, 1-based): chr9:95,446,939, C>G on the plus strand (G>C on the coding strand, the complement: PTCH1 is on the minus strand). VCF-style: chr9-95446939-C-G. GRCh37 (hg19) VCF-style: chr9-98209221-C-G.
Other names: c.4119G>C, p.Glu1373Asp (NM_001083602.3); c.4314G>C, p.Glu1438Asp (NM_001083603.3); c.3864G>C, p.Glu1288Asp (NM_001083604.3, NM_001083605.3, NM_001083606.3 and 1 more transcripts); c.4161G>C, p.Glu1387Asp (NM_001354918.2); short protein forms E1288D, E1439D, E1373D, E1387D, E1438D.
Identifiers: ClinVar variation 2978780 (VCV002978780.4), dbSNP rs2136570800, ClinGen allele CA374109852.

ClinVar aggregate classification (germline): Uncertain significance. Review status: criteria provided, multiple submitters, no conflicts (2 of 4 stars). 2 submissions from 2 submitters: Uncertain significance (2). Last evaluated 2025-08-11.

Conditions:
Hereditary cancer-predisposing syndrome. Also called: Tumor predisposition; Hereditary neoplastic syndrome; Neoplastic Syndromes, Hereditary; Hereditary Cancer Syndrome. Identifiers: Orphanet 140162, MedGen C0027672, MeSH D009386, MONDO:0015356.
Gorlin syndrome. Also called: Nevoid Basal Cell Carcinoma Syndrome; Basal cell nevus syndrome. Identifiers: Orphanet 377, MedGen C0004779, MONDO:0007187.

Submissions (2):

Labcorp Genetics (formerly Invitae), Labcorp
Classification: Uncertain significance for Gorlin syndrome. Last evaluated: 2025-08-11. Review status: criteria provided, single submitter. Criteria: Invitae Variant Classification Sherloc (09022015). Collection method: clinical testing. Allele origin: germline.
Comment: This sequence change replaces glutamic acid, which is acidic and polar, with aspartic acid, which is acidic and polar, at codon 1439 of the PTCH1 protein (p.Glu1439Asp). This variant is not present in population databases (gnomAD no frequency). This variant has not been reported in the literature in individuals affected with PTCH1-related conditions. ClinVar contains an entry for this variant (Variation ID: 2978780). Invitae Evidence Modeling of protein sequence and biophysical properties (such as structural, functional, and spatial information, amino acid conservation, physicochemical variation, residue mobility, and thermodynamic stability) indicates that this missense variant is not expected to disrupt PTCH1 protein function with a negative predictive value of 95%. In summary, the available evidence is currently insufficient to determine the role of this variant in disease. Therefore, it has been classified as a Variant of Uncertain Significance.

Ambry Genetics
Classification: Uncertain significance for Hereditary cancer-predisposing syndrome. Last evaluated: 2025-06-10. Review status: criteria provided, single submitter. Criteria: Ambry Variant Classification Scheme 2023. Collection method: clinical testing. Allele origin: germline.
Comment: The p.E1439D variant (also known as c.4317G>C), located in coding exon 23 of the PTCH1 gene, results from a G to C substitution at nucleotide position 4317. The glutamic acid at codon 1439 is replaced by aspartic acid, an amino acid with highly similar properties. This amino acid position is conserved. In addition, this alteration is predicted to be tolerated by in silico analysis. Based on the available evidence, the clinical significance of this variant remains unclear.